The following is an entry in ClinVar:

NM_000488.4(SERPINC1):c.624+5_624+12del

Gene: SERPINC1 (serpin family C member 1; minus strand). Cytogenetic location: 1q25.1.
Variant type: Deletion.
Coding change: c.624+5_624+12del on transcript NM_000488.4 (MANE Select); bases 5 to 12 of the intron after coding-DNA position 624, 8 bases deleted (GTTGCAGA; older notation c.624+5_624+12delGTTGCAGA).
Molecular consequence: intron variant.
Genome position (GRCh38, 1-based): chr1:173,911,787-173,911,794, TCTGCAAC deleted on the plus strand (GTTGCAGA on the coding strand, the reverse complement: SERPINC1 is on the minus strand); deleting any 8 consecutive bases within chr1:173,911,787-173,911,796 gives the same sequence; the c. name uses the placement nearest the transcript's 3' end. VCF-style (leftmost placement, unchanged base first): chr1-173911786-ATCTGCAAC-A. GRCh37 (hg19) VCF-style: chr1-173880924-ATCTGCAAC-A.
Other names: c.705+5_705+12del (NM_001386303.1); c.409-903_409-896del (NM_001386306.1); c.624+5_624+12del (NM_001386304.1, NM_001386305.1, NM_001386302.1); c.480+5_480+12del (NM_001365052.2).
Identifiers: ClinVar variation 2032682 (VCV002032682.4), dbSNP rs2526580786, ClinGen allele CA2580061378.

ClinVar aggregate classification (germline): Uncertain significance (1 of 4 stars; one submission).

Conditions:
Hereditary antithrombin deficiency (AT3D). Also called: Antithrombin deficiency; Antithrombin III deficiency; Reduced antithrombin III activity; Thrombophilia due to antithrombin III deficiency. Identifiers: Orphanet 82, MedGen C0272375, MONDO:0013144, OMIM 613118, HP:0001976.

Submission:

Labcorp Genetics (formerly Invitae), Labcorp
Classification: Uncertain significance for Hereditary antithrombin deficiency. Last evaluated: 2022-09-26. Review status: criteria provided, single submitter. Criteria: Invitae Variant Classification Sherloc (09022015). Collection method: clinical testing. Allele origin: germline.
Comment: In summary, the available evidence is currently insufficient to determine the role of this variant in disease. Therefore, it has been classified as a Variant of Uncertain Significance. Variants that disrupt the consensus splice site are a relatively common cause of aberrant splicing (PMID: 17576681, 9536098). Algorithms developed to predict the effect of sequence changes on RNA splicing suggest that this variant may create or strengthen a splice site. This variant has not been reported in the literature in individuals affected with SERPINC1-related conditions. This variant is not present in population databases (gnomAD no frequency). This sequence change falls in intron 3 of the SERPINC1 gene. It does not directly change the encoded amino acid sequence of the SERPINC1 protein. It affects a nucleotide within the consensus splice site.

Literature cited by the submitters: PubMed 17576681; PubMed 9536098.